The following is an entry in ClinVar:

ClinVar aggregate classification (germline): Uncertain significance (1 of 4 stars; one submission).

Submission:

GeneDx
Classification: Uncertain significance. Last evaluated: 2026-01-10. Review status: criteria provided, single submitter. Criteria: GeneDx Variant Classification Process June 2021. Collection method: clinical testing. Allele origin: germline.
Comment: Not observed at significant frequency in large population cohorts (gnomAD); In silico analysis supports that this missense variant has a deleterious effect on protein structure/function; Has not been previously published as pathogenic or benign to our knowledge

NM_001136157.2(OTUD5):c.746A>G (p.Asp249Gly)

Gene: OTUD5 (OTU deubiquitinase 5; minus strand). Cytogenetic location: Xp11.23.
Variant type: single nucleotide variant.
Coding change: c.746A>G on transcript NM_001136157.2 (MANE Select); coding-DNA position 746, A replaced by G.
Protein change: p.Asp249Gly; replaces aspartic acid 249 with glycine.
Molecular consequence: missense variant.
Genome position (GRCh38, 1-based): chrX:48,934,961, T>C on the plus strand (A>G on the coding strand, the complement: OTUD5 is on the minus strand). VCF-style: chrX-48934961-T-C. GRCh37 (hg19) VCF-style: chrX-48792234-T-C.
Other names: c.746A>G, p.Asp249Gly (NM_001136158.2, NM_017602.4); c.95A>G, p.Asp32Gly (NM_001136159.2); short protein forms D249G, D32G.
Identifiers: ClinVar variation 3369603 (VCV003369603.2).